The following is an entry in ClinVar:

ClinVar aggregate classification (germline): Likely benign. Review status: criteria provided, multiple submitters, no conflicts (2 of 4 stars). 3 submissions from 3 submitters: Likely benign (3). Last evaluated 2024-09-30.

Conditions:
SRD5A3-congenital disorder of glycosylation. Also called: Congenital disorder of glycosylation type 1Q; CDG Iq; Ocular colobomas, ichthyosis, brain malformations and endocrine abnormalities; SRD5A3-CDG; COLOBOMA, OCULAR, WITH ICHTHYOSIS, BRAIN MALFORMATIONS, AND ENDOCRINE ABNORMALITIES. Identifiers: Orphanet 324737, MedGen C4317224, MONDO:0012885, OMIM 612379.

Allele frequency attached by ClinVar (database versions not stated): gnomAD 0.00002 and 0.00003; ExAC 0.00004; gnomAD exomes 0.00004 and 0.00009; TOPMed 0.00004; ESP Exome Variant Server 0.00008; 1000 Genomes Project 0.00020; 1000 Genomes Project 30x 0.00031.

Submissions (3):

Blueprint Genetics
Classification: Likely benign. Last evaluated: 2024-09-30. Review status: criteria provided, single submitter. Criteria: ACMG Guidelines, 2015. Collection method: clinical testing. Allele origin: germline.

Labcorp Genetics (formerly Invitae), Labcorp
Classification: Likely benign for SRD5A3-congenital disorder of glycosylation. Last evaluated: 2022-12-15. Review status: criteria provided, single submitter. Criteria: Invitae Variant Classification Sherloc (09022015). Collection method: clinical testing. Allele origin: germline.

GeneDx
Classification: Likely benign. Last evaluated: 2016-10-24. Review status: criteria provided, single submitter. Criteria: GeneDx Variant Classification (06012015). Collection method: clinical testing. Allele origin: germline. Affected: yes.
Comment: This variant is considered likely benign or benign based on one or more of the following criteria: it is a conservative change, it occurs at a poorly conserved position in the protein, it is predicted to be benign by multiple in silico algorithms, and/or has population frequency not consistent with disease.

NM_024592.5(SRD5A3):c.444C>T (p.Leu148=)

Gene: SRD5A3 (steroid 5 alpha-reductase 3; plus strand). Cytogenetic location: 4q12.
Variant type: single nucleotide variant.
Coding change: c.444C>T on transcript NM_024592.5 (MANE Select); coding-DNA position 444, C replaced by T.
Protein change: p.Leu148=; no amino-acid change (leucine 148 retained).
Molecular consequence: synonymous variant.
Genome position (GRCh38, 1-based): chr4:55,364,153, C>T. VCF-style: chr4-55364153-C-T. GRCh37 (hg19) VCF-style: chr4-56230320-C-T.
Identifiers: ClinVar variation 390232 (VCV000390232.5), dbSNP rs201424796, ClinGen allele CA2925294.
Genomic context (GRCh38, chr4:55,364,153, plus strand): 5'-TGCATTCTTAGTGCTAGTATTTCTGTGGCTGCACAGCTTACGAAGACTCTTCGAGTGCCT[C>T]TACGTCAGTGTCTTCTCCAATGTCATGATTCACGTCGTGCAGTACTGTTTTGGACTTGTC-3'
Protein context (NP_078868.1, residues 138-158): LHSLRRLFEC[Leu148=]YVSVFSNVMI